The following is an entry in ClinVar:

ClinVar aggregate classification (germline): Uncertain significance (1 of 4 stars; one submission).

Conditions:
COL3A1-related disorder. Also called: COL3A1-related condition.

Submission:

PreventionGenetics, part of Exact Sciences
Classification: Uncertain significance for COL3A1-related condition. Last evaluated: 2025-09-04. Review status: criteria provided, single submitter. Criteria: ACMG Guidelines, 2015. Collection method: clinical testing. Allele origin: germline.
Comment: The COL3A1 c.3785G>T variant is predicted to result in the amino acid substitution p.Cys1262Phe. To our knowledge, this variant has not been reported in the literature or in a large population database (gnomAD), indicating this variant is rare. The majority of documented causative missense variants in COL3A1 substitute a glycine residue to another amino acid in the Gly-X-Y triple helical domain (Pepin et al. 2014. PubMed ID: 24922459). This variant does not alter a glycine residue. At this time, the clinical significance of this variant is uncertain due to the absence of conclusive functional and genetic evidence.

NM_000090.4(COL3A1):c.3785G>T (p.Cys1262Phe)

Gene: COL3A1 (collagen type III alpha 1 chain; plus strand). Cytogenetic location: 2q32.2.
Variant type: single nucleotide variant.
Coding change: c.3785G>T on transcript NM_000090.4 (MANE Select); coding-DNA position 3785, G replaced by T.
Protein change: p.Cys1262Phe; replaces cysteine 1262 with phenylalanine.
Molecular consequence: missense variant.
Genome position (GRCh38, 1-based): chr2:189,009,183, G>T. VCF-style: chr2-189009183-G-T. GRCh37 (hg19) VCF-style: chr2-189873909-G-T.
Other names: short protein forms C1262F.
Identifiers: ClinVar variation 4993353 (VCV004993353.1).